The following is an entry in ClinVar:

ClinVar aggregate classification (germline): Uncertain significance (1 of 4 stars; one submission).

Allele frequency attached by ClinVar (database versions not stated): gnomAD exomes below 0.00001.
gnomAD v4.1: 1 of 1,212,492 alleles (0.000082%); highest among the groups gnomAD compares: Non-Finnish European, 0.0001%; no homozygotes.

Submission:

Labcorp Genetics (formerly Invitae), Labcorp
Classification: Uncertain significance. Last evaluated: 2022-03-13. Review status: criteria provided, single submitter. Criteria: Invitae Variant Classification Sherloc (09022015). Collection method: clinical testing. Allele origin: germline.
Comment: This variant has not been reported in the literature in individuals affected with PACS2-related conditions. In summary, the available evidence is currently insufficient to determine the role of this variant in disease. Therefore, it has been classified as a Variant of Uncertain Significance. Algorithms developed to predict the effect of missense changes on protein structure and function (SIFT, PolyPhen-2, Align-GVGD) all suggest that this variant is likely to be tolerated. This variant is not present in population databases (gnomAD no frequency). This sequence change replaces valine, which is neutral and non-polar, with leucine, which is neutral and non-polar, at codon 38 of the PACS2 protein (p.Val38Leu).

NM_001100913.3(PACS2):c.112G>C (p.Val38Leu)

Genes: BRF1 (BRF1 general transcription factor IIIB subunit; minus strand), PACS2 (phosphofurin acidic cluster sorting protein 2; plus strand), LOC130056677 (ATAC-STARR-seq lymphoblastoid silent region 6228; plus strand). Cytogenetic location: 14q32.33.
Variant type: single nucleotide variant.
Coding change: c.112G>C on transcript NM_001100913.3 (MANE Select); coding-DNA position 112, G replaced by C.
Protein change: p.Val38Leu; replaces valine 38 with leucine.
Molecular consequence: missense variant. On other transcripts: intron variant (4).
Genome position (GRCh38, 1-based): chr14:105,315,030, G>C. VCF-style: chr14-105315030-G-C. GRCh37 (hg19) VCF-style: chr14-105781367-G-C.
Other names: c.112G>C, p.Val38Leu (NM_015197.4); c.-162+292C>G (NM_001440451.1, NM_001242787.2, NM_001242786.2); c.-83+14051G>C (NM_001243127.3); short protein forms V38L.
Identifiers: ClinVar variation 2111127 (VCV002111127.4), dbSNP rs1169339105, ClinGen allele CA391191961.
Genomic context (GRCh38, chr14:105,315,030, plus strand): 5'-ACGCCCGTGCCCATGAACCTGTTCGCCACCTGGGAGGTGGACGGCTCCAGCCCCAGCTGC[G>C]TGCCCAGGTACGCGCCGCCCGCCGCGCTTTGTTCCCGCCGGGCACCTGCTGGGGGTGTCC-3'
Protein context (NP_001094383.2, residues 28-48): WEVDGSSPSC[Val38Leu]PRLCSLTLKK